The following is an entry in ClinVar:

ClinVar aggregate classification (germline): Uncertain significance. Review status: criteria provided, multiple submitters, no conflicts (2 of 4 stars). 2 submissions from 2 submitters: Uncertain significance (2). Last evaluated 2025-08-25.

Allele frequency attached by ClinVar (database versions not stated): gnomAD exomes below 0.00001.
gnomAD v4.1: 4 of 1,614,228 alleles (0.00025%); highest among the groups gnomAD compares: Non-Finnish European, 0.00025%; no homozygotes.

Submissions (2):

Ambry Genetics
Classification: Uncertain significance. Last evaluated: 2025-08-25. Review status: criteria provided, single submitter. Criteria: Ambry Variant Classification Scheme 2023. Collection method: clinical testing. Allele origin: germline.

Labcorp Genetics (formerly Invitae), Labcorp
Classification: Uncertain significance. Last evaluated: 2024-10-21. Review status: criteria provided, single submitter. Criteria: Invitae Variant Classification Sherloc (09022015). Collection method: clinical testing. Allele origin: germline.
Comment: This sequence change replaces histidine, which is basic and polar, with glutamine, which is neutral and polar, at codon 342 of the SIAE protein (p.His342Gln). This variant is not present in population databases (gnomAD no frequency). This variant has not been reported in the literature in individuals affected with SIAE-related conditions. ClinVar contains an entry for this variant (Variation ID: 1383706). An algorithm developed to predict the effect of missense changes on protein structure and function (PolyPhen-2) suggests that this variant is likely to be disruptive. In summary, the available evidence is currently insufficient to determine the role of this variant in disease. Therefore, it has been classified as a Variant of Uncertain Significance.

NM_170601.5(SIAE):c.1026T>A (p.His342Gln)

Gene: SIAE (sialic acid acetylesterase; minus strand). Cytogenetic location: 11q24.2.
Variant type: single nucleotide variant.
Coding change: c.1026T>A on transcript NM_170601.5 (MANE Select); coding-DNA position 1026, T replaced by A.
Protein change: p.His342Gln; replaces histidine 342 with glutamine.
Molecular consequence: missense variant.
Genome position (GRCh38, 1-based): chr11:124,639,808, A>T on the plus strand (T>A on the coding strand, the complement: SIAE is on the minus strand). VCF-style: chr11-124639808-A-T. GRCh37 (hg19) VCF-style: chr11-124509704-A-T.
Other names: c.1026T>A (NM_170601.4); c.921T>A, p.His307Gln (NM_001199922.2); short protein forms H307Q, H342Q.
Identifiers: ClinVar variation 1383706 (VCV001383706.9), dbSNP rs1942814863, ClinGen allele CA383145807.